The following is an entry in ClinVar:

NM_006912.6(RIT1):c.179T>C (p.Ile60Thr)

Gene: RIT1 (Ras like without CAAX 1; minus strand). Cytogenetic location: 1q22.
Variant type: single nucleotide variant.
Coding change: c.179T>C on transcript NM_006912.6 (MANE Select); coding-DNA position 179, T replaced by C.
Protein change: p.Ile60Thr; replaces isoleucine 60 with threonine.
Molecular consequence: missense variant.
Genome position (GRCh38, 1-based): chr1:155,904,789, A>G on the plus strand (T>C on the coding strand, the complement: RIT1 is on the minus strand). VCF-style: chr1-155904789-A-G. GRCh37 (hg19) VCF-style: chr1-155874580-A-G.
Other names: c.71T>C, p.Ile24Thr (NM_001256820.2); c.230T>C, p.Ile77Thr (NM_001256821.2); short protein forms I24T, I60T, I77T.
Identifiers: ClinVar variation 3359371 (VCV003359371.1).

ClinVar aggregate classification (germline): Uncertain significance (1 of 4 stars; one submission).

gnomAD v4.1: 1 of 1,610,584 alleles (0.000062%); no homozygotes.

Submission:

GeneDx
Classification: Uncertain significance. Last evaluated: 2023-06-06. Review status: criteria provided, single submitter. Criteria: GeneDx Variant Classification Process June 2021. Collection method: clinical testing. Allele origin: germline. Affected: yes.
Comment: Not observed at significant frequency in large population cohorts (gnomAD); In silico analysis supports that this missense variant does not alter protein structure/function; Has not been previously published as pathogenic or benign to our knowledge